The following is an entry in ClinVar:

ClinVar aggregate classification (germline): Uncertain significance (1 of 4 stars; one submission).

Allele frequency attached by ClinVar (database versions not stated): TOPMed below 0.00001.
gnomAD v4.1: 1 of 1,566,332 alleles (0.000064%); highest among the groups gnomAD compares: Non-Finnish European, 0.000086%; no homozygotes.

Submission:

Labcorp Genetics (formerly Invitae), Labcorp
Classification: Uncertain significance. Last evaluated: 2025-10-20. Review status: criteria provided, single submitter. Criteria: Invitae Variant Classification Sherloc (09022015). Collection method: clinical testing. Allele origin: germline.
Comment: This sequence change replaces alanine, which is neutral and non-polar, with valine, which is neutral and non-polar, at codon 273 of the BCL11B protein (p.Ala273Val). This variant is not present in population databases (gnomAD no frequency). This variant has not been reported in the literature in individuals affected with BCL11B-related conditions. ClinVar contains an entry for this variant (Variation ID: 2761058). Invitae Evidence Modeling of protein sequence and biophysical properties (such as structural, functional, and spatial information, amino acid conservation, physicochemical variation, residue mobility, and thermodynamic stability) indicates that this missense variant is not expected to disrupt BCL11B protein function with a negative predictive value of 95%. In summary, the available evidence is currently insufficient to determine the role of this variant in disease. Therefore, it has been classified as a Variant of Uncertain Significance.

NM_138576.4(BCL11B):c.818C>T (p.Ala273Val)

Gene: BCL11B (BCL11 transcription factor B; minus strand). Cytogenetic location: 14q32.2.
Variant type: single nucleotide variant.
Coding change: c.818C>T on transcript NM_138576.4 (MANE Select); coding-DNA position 818, C replaced by T.
Protein change: p.Ala273Val; replaces alanine 273 with valine.
Molecular consequence: missense variant.
Genome position (GRCh38, 1-based): chr14:99,176,018, G>A on the plus strand (C>T on the coding strand, the complement: BCL11B is on the minus strand). VCF-style: chr14-99176018-G-A. GRCh37 (hg19) VCF-style: chr14-99642355-G-A.
Other names: c.815C>T, p.Ala272Val (NM_001282237.2); c.602C>T, p.Ala201Val (NM_001282238.2); c.605C>T, p.Ala202Val (NM_022898.3); short protein forms A201V, A272V, A202V, A273V.
Identifiers: ClinVar variation 2761058 (VCV002761058.3), dbSNP rs1886513423, ClinGen allele CA390936709.